The following is an entry in ClinVar:

NM_004006.3(DMD):c.1151G>T (p.Gly384Val)

Gene: DMD (dystrophin; minus strand). Cytogenetic location: Xp21.1.
Variant type: single nucleotide variant.
Coding change: c.1151G>T on transcript NM_004006.3 (MANE Select); coding-DNA position 1151, G replaced by T.
Protein change: p.Gly384Val; replaces glycine 384 with valine.
Molecular consequence: missense variant.
Genome position (GRCh38, 1-based): chrX:32,644,312, C>A on the plus strand (G>T on the coding strand, the complement: DMD is on the minus strand). VCF-style: chrX-32644312-C-A. GRCh37 (hg19) VCF-style: chrX-32662429-C-A.
Other names: c.1127G>T, p.Gly376Val (NM_000109.4); c.1139G>T, p.Gly380Val (NM_004009.3); c.782G>T, p.Gly261Val (NM_004010.3); short protein forms G384V, G380V, G261V, G376V.
Identifiers: ClinVar variation 3679963 (VCV003679963.3).

ClinVar aggregate classification (germline): Uncertain significance (1 of 4 stars; one submission).

Conditions:
Duchenne muscular dystrophy (DMD). Also called: MUSCULAR DYSTROPHY, PSEUDOHYPERTROPHIC PROGRESSIVE, DUCHENNE TYPE; Duchenne Muscular Dystrophy (DMD). Identifiers: Orphanet 98896, MedGen C0013264, MONDO:0010679, OMIM 310200.

Submissions (2):

Labcorp Genetics (formerly Invitae), Labcorp
Classification: Uncertain significance for Duchenne muscular dystrophy. Last evaluated: 2024-04-09. Review status: criteria provided, single submitter. Criteria: Invitae Variant Classification Sherloc (09022015). Collection method: clinical testing. Allele origin: germline.
Comment: This sequence change replaces glycine, which is neutral and non-polar, with valine, which is neutral and non-polar, at codon 384 of the DMD protein (p.Gly384Val). This variant is not present in population databases (gnomAD no frequency). This variant has not been reported in the literature in individuals affected with DMD-related conditions. An algorithm developed to predict the effect of missense changes on protein structure and function (PolyPhen-2) suggests that this variant is likely to be disruptive. In summary, the available evidence is currently insufficient to determine the role of this variant in disease. Therefore, it has been classified as a Variant of Uncertain Significance.

Dr. Peter K. Rogan Lab, Western University
No classification provided (evidence only). Condition: Nonpapillary renal cell carcinoma. Review status: no classification provided. Collection method: in vitro. Allele origin: not applicable. Functional consequence: retained intron. Not counted in ClinVar's aggregate classification.